The following is an entry in ClinVar:

ClinVar aggregate classification (germline): Likely benign (1 of 4 stars; one submission).

Submission:

Women's Health and Genetics/Laboratory Corporation of America, LabCorp
Classification: Likely benign. Last evaluated: 2022-07-11. Review status: criteria provided, single submitter. Criteria: LabCorp Variant Classification Summary - May 2015. Collection method: clinical testing. Allele origin: germline.
Comment: Variant summary: NF1 c.2739A>C alters a conserved nucleotide resulting in a synonymous change. 4/4 computational tools predict no significant impact on normal splicing. However, these predictions have yet to be confirmed by functional studies. The variant was absent in 251106 control chromosomes (gnomAD). The available data on variant occurrences in the general population are insufficient to allow any conclusion about variant significance. To our knowledge, no occurrence of c.2739A>C in individuals affected with Neurofibromatosis Type 1 and no experimental evidence demonstrating its impact on protein function have been reported. No clinical diagnostic laboratories have submitted clinical-significance assessments for this variant to ClinVar after 2014. Based on the evidence outlined above, the variant was classified as likely benign.

NM_001042492.3(NF1):c.2739A>C (p.Ile913=)

Gene: NF1 (neurofibromin 1; plus strand). Cytogenetic location: 17q11.2.
Variant type: single nucleotide variant.
Coding change: c.2739A>C on transcript NM_001042492.3 (MANE Select); coding-DNA position 2739, A replaced by C.
Protein change: p.Ile913=; no amino-acid change (isoleucine 913 retained).
Molecular consequence: synonymous variant.
Genome position (GRCh38, 1-based): chr17:31,229,354, A>C. VCF-style: chr17-31229354-A-C. GRCh37 (hg19) VCF-style: chr17-29556372-A-C.
Other names: c.2739A>C, p.Ile913= (NM_000267.4).
Identifiers: ClinVar variation 1704491 (VCV001704491.1), dbSNP rs2151429561, ClinGen allele CA499228565.